The following is an entry in ClinVar:

NM_000179.3(MSH6):c.2395A>G (p.Met799Val)

Gene: MSH6 (mutS homolog 6; plus strand). Cytogenetic location: 2p16.3.
Variant type: single nucleotide variant.
Coding change: c.2395A>G on transcript NM_000179.3 (MANE Select); coding-DNA position 2395, A replaced by G.
Protein change: p.Met799Val; replaces methionine 799 with valine.
Molecular consequence: missense variant.
Genome position (GRCh38, 1-based): chr2:47,800,378, A>G. VCF-style: chr2-47800378-A-G. GRCh37 (hg19) VCF-style: chr2-48027517-A-G.
Other names: c.2395A>G (NM_000179.2); c.2005A>G, p.Met669Val (NM_001281492.2); c.1489A>G, p.Met497Val (NM_001281493.2, NM_001281494.2); short protein forms M799V, M669V, M497V.
Identifiers: ClinVar variation 1391982 (VCV001391982.10), dbSNP rs1669456977, ClinGen allele CA346753877.

ClinVar aggregate classification (germline): Uncertain significance. Review status: criteria provided, multiple submitters, no conflicts (2 of 4 stars). 4 submissions from 4 submitters: Uncertain significance (4). Last evaluated 2025-08-19.

Conditions:
Hereditary nonpolyposis colorectal neoplasms. Identifiers: MedGen C0009405, MeSH D003123.
Hereditary cancer-predisposing syndrome. Also called: Neoplastic Syndromes, Hereditary; Hereditary neoplastic syndrome; Tumor predisposition; Hereditary Cancer Syndrome. Identifiers: Orphanet 140162, MedGen C0027672, MeSH D009386, MONDO:0015356.

Submissions (4):

Labcorp Genetics (formerly Invitae), Labcorp
Classification: Uncertain significance for Hereditary nonpolyposis colorectal neoplasms. Last evaluated: 2025-08-19. Review status: criteria provided, single submitter. Criteria: Invitae Variant Classification Sherloc (09022015). Collection method: clinical testing. Allele origin: germline.
Comment: This sequence change replaces methionine, which is neutral and non-polar, with valine, which is neutral and non-polar, at codon 799 of the MSH6 protein (p.Met799Val). This variant is not present in population databases (gnomAD no frequency). This variant has not been reported in the literature in individuals affected with MSH6-related conditions. ClinVar contains an entry for this variant (Variation ID: 1391982). Invitae Evidence Modeling of protein sequence and biophysical properties (such as structural, functional, and spatial information, amino acid conservation, physicochemical variation, residue mobility, and thermodynamic stability) indicates that this missense variant is not expected to disrupt MSH6 protein function with a negative predictive value of 95%. In summary, the available evidence is currently insufficient to determine the role of this variant in disease. Therefore, it has been classified as a Variant of Uncertain Significance.

Color Diagnostics, LLC DBA Color Health
Classification: Uncertain significance for Hereditary cancer-predisposing syndrome. Last evaluated: 2025-06-03. Review status: criteria provided, single submitter. Criteria: ACMG Guidelines, 2015. Collection method: clinical testing. Allele origin: germline.
Comment: This missense variant replaces methionine with valine at codon 799 of the MSH6 protein. Computational prediction suggests that this variant may not impact protein structure and function. To our knowledge, functional studies have not been reported for this variant. This variant has not been reported in individuals affected with MSH6-related disorders in the literature. This variant has not been identified in the general population by the Genome Aggregation Database (gnomAD). The available evidence is insufficient to determine the role of this variant in disease conclusively. Therefore, this variant is classified as a Variant of Uncertain Significance.

GeneDx
Classification: Uncertain significance. Last evaluated: 2025-05-15. Review status: criteria provided, single submitter. Criteria: GeneDx Variant Classification Process June 2021. Collection method: clinical testing. Allele origin: germline. Affected: yes.
Comment: Not observed at significant frequency in large population cohorts (gnomAD); In silico analysis suggests that this missense variant does not alter protein structure/function; Has not been previously published as pathogenic or benign to our knowledge; This variant is associated with the following publications: (PMID: 17531815, 21120944)

Ambry Genetics
Classification: Uncertain significance for Hereditary cancer-predisposing syndrome. Last evaluated: 2024-06-18. Review status: criteria provided, single submitter. Criteria: Ambry Variant Classification Scheme 2023. Collection method: clinical testing. Allele origin: germline.
Comment: The p.M799V variant (also known as c.2395A>G), located in coding exon 4 of the MSH6 gene, results from an A to G substitution at nucleotide position 2395. The methionine at codon 799 is replaced by valine, an amino acid with highly similar properties. This amino acid position is conserved. In addition, the in silico prediction for this alteration is inconclusive. Based on the available evidence, the clinical significance of this variant remains unclear.